The following is an entry in ClinVar:

NM_004380.3(CREBBP):c.4644_4645del (p.Leu1549fs)

Gene: CREBBP (CREB binding lysine acetyltransferase; minus strand). Cytogenetic location: 16p13.3.
Variant type: Microsatellite.
Coding change: c.4644_4645del on transcript NM_004380.3 (MANE Select); coding-DNA positions 4644 to 4645, 2 bases deleted (GT; older notation c.4644_4645delGT).
Protein change: p.Leu1549fs; shifts the reading frame from leucine 1549.
Molecular consequence: frameshift variant.
Genome position (GRCh38, 1-based): chr16:3,736,119-3,736,120, AC deleted on the plus strand (GT on the coding strand, the reverse complement: CREBBP is on the minus strand); deleting any 2 consecutive bases within chr16:3,736,119-3,736,123 gives the same sequence; the c. name uses the placement nearest the transcript's 3' end. VCF-style (leftmost placement, unchanged base first): chr16-3736118-AAC-A. GRCh37 (hg19) VCF-style: chr16-3786119-AAC-A.
Other names: c.4644_4645delGT (NM_004380.2); c.4530_4531del, p.Leu1511fs (NM_001079846.1); short protein forms L1549fs, L1511fs.
Identifiers: ClinVar variation 458199 (VCV000458199.2), dbSNP rs1555472938, ClinGen allele CA658658388.

ClinVar aggregate classification (germline): Pathogenic. Review status: criteria provided, single submitter (1 of 4 stars). 2 submissions from 2 submitters: Pathogenic (1). 1 of the submissions does not count toward it. Last evaluated 2017-06-29.

Conditions:
Rubinstein-Taybi syndrome due to CREBBP mutations (RSTS1). Also called: Rubinstein-Taybi syndrome 1; CREBBP-Related Rubinstein-Taybi Syndrome; RUBINSTEIN-TAYBI SYNDROME 1, INCOMPLETE; BROAD THUMBS AND GREAT TOES, CHARACTERISTIC FACIES, AND IMPAIRED INTELLECTUAL DEVELOPMENT; BROAD THUMB-HALLUX SYNDROME; RUBINSTEIN SYNDROME. Identifiers: Orphanet 353277, Orphanet 783, MedGen C4551859, MONDO:0008393, OMIM 180849.

Submissions (2):

Labcorp Genetics (formerly Invitae), Labcorp
Classification: Pathogenic for Rubinstein-Taybi syndrome. Last evaluated: 2017-06-29. Review status: criteria provided, single submitter. Criteria: Invitae Variant Classification Sherloc (09022015). Collection method: clinical testing. Allele origin: germline.
Comment: This sequence change creates a premature translational stop signal (p.Leu1549Argfs*5) in the CREBBP gene. It is expected to result in an absent or disrupted protein product. This variant is not present in population databases (ExAC no frequency). This variant has not been reported in the literature in individuals with a CREBBP-related disease. Loss-of-function variants in CREBBP are known to be pathogenic (PMID: 17052327, 18792986). For these reasons, this variant has been classified as Pathogenic.

Wessex Regional Genetics Laboratory, Salisbury District Hospital
Classification: Pathogenic for Rubinstein-Taybi syndrome due to CREBBP mutations. Last evaluated: 2019-11-05. Review status: no assertion criteria provided. Criteria: ACMG Guidelines, 2015. Collection method: clinical testing. Allele origin: unknown. Inheritance: Autosomal dominant inheritance. Affected: yes. Not counted in ClinVar's aggregate classification.